The following is an entry in ClinVar:

NM_001365088.1(SLC12A6):c.745+9G>C

Gene: SLC12A6 (solute carrier family 12 member 6; minus strand). Cytogenetic location: 15q14.
Variant type: single nucleotide variant.
Coding change: c.745+9G>C on transcript NM_001365088.1 (MANE Select); 9 bases into the intron after coding-DNA position 745, G replaced by C.
Molecular consequence: intron variant.
Genome position (GRCh38, 1-based): chr15:34,256,220, C>G on the plus strand (G>C on the coding strand, the complement: SLC12A6 is on the minus strand). VCF-style: chr15-34256220-C-G. GRCh37 (hg19) VCF-style: chr15-34548421-C-G.
Other names: p.?; c.568+9G>C (NM_001042495.2, NM_001042494.2); c.718+9G>C (NM_001042496.2); c.700+9G>C (NM_001042497.2); c.745+9G>C (NM_133647.2); c.592+9G>C (NM_005135.2).
Identifiers: ClinVar variation 507490 (VCV000507490.13), dbSNP rs369891876, ClinGen allele CA7464501.

ClinVar aggregate classification (germline): Likely benign. Review status: criteria provided, multiple submitters, no conflicts (2 of 4 stars). 4 submissions from 4 submitters: Likely benign (4). Last evaluated 2026-01-27.

Allele frequency attached by ClinVar (database versions not stated): ExAC 0.00013; gnomAD 0.00018 and 0.00020; gnomAD exomes 0.00018 and 0.00032; ESP Exome Variant Server 0.00023; TOPMed 0.00023.
gnomAD v4.1: 479 of 1,563,196 alleles (0.031%); highest among the groups gnomAD compares: Non-Finnish European, 0.04%; no homozygotes.

Submissions (4):

Labcorp Genetics (formerly Invitae), Labcorp
Classification: Likely benign. Last evaluated: 2026-01-27. Review status: criteria provided, single submitter. Criteria: Invitae Variant Classification Sherloc (09022015). Collection method: clinical testing. Allele origin: germline.

Mayo Clinic Laboratories, Mayo Clinic
Classification: Likely benign. Last evaluated: 2025-07-29. Review status: criteria provided, single submitter. Criteria: ACMG Guidelines, 2015. Collection method: clinical testing. Allele origin: germline. Observed: 2 variant alleles.
Comment: BP4, BP7

Blueprint Genetics
Classification: Likely benign. Last evaluated: 2024-02-12. Review status: criteria provided, single submitter. Criteria: ACMG Guidelines, 2015. Collection method: clinical testing. Allele origin: germline.

GeneDx
Classification: Likely benign. Last evaluated: 2017-02-24. Review status: criteria provided, single submitter. Criteria: GeneDx Variant Classification (06012015). Collection method: clinical testing. Allele origin: germline. Affected: yes.
Comment: This variant is considered likely benign or benign based on one or more of the following criteria: it is a conservative change, it occurs at a poorly conserved position in the protein, it is predicted to be benign by multiple in silico algorithms, and/or has population frequency not consistent with disease.